The following is an entry in ClinVar:

NM_006080.3(SEMA3A):c.1141-5_1141-2dup

Gene: SEMA3A (semaphorin 3A; minus strand). Cytogenetic location: 7q21.11.
Variant type: Duplication.
Coding change: c.1141-5_1141-2dup on transcript NM_006080.3 (MANE Select); 5 bases into the intron before coding-DNA position 1141 through the canonical splice acceptor site of the intron before coding-DNA position 1141, 4 bases duplicated (AATA; older notation c.1141-5_1141-2dupAATA).
Molecular consequence: splice acceptor variant.
Genome position (GRCh38, 1-based): chr7:84,005,560-84,005,563, TATT duplicated on the plus strand (AATA on the coding strand, the reverse complement: SEMA3A is on the minus strand). VCF-style (leftmost placement, unchanged base first): chr7-84005559-C-CTATT. GRCh37 (hg19) VCF-style: chr7-83634875-C-CTATT.
Identifiers: ClinVar variation 3350131 (VCV003350131.2).

ClinVar aggregate classification (germline): Uncertain significance. Review status: criteria provided, single submitter (1 of 4 stars). 2 submissions from 2 submitters: Uncertain significance (1). 1 of the submissions does not count toward it. Last evaluated 2023-12-15.

Conditions:
SEMA3A-related disorder. Also called: SEMA3A-related condition.

Submissions (2):

GeneDx
Classification: Uncertain significance. Last evaluated: 2023-12-15. Review status: criteria provided, single submitter. Criteria: GeneDx Variant Classification Process June 2021. Collection method: clinical testing. Allele origin: germline. Affected: yes.
Comment: Canonical splice site variant in a gene or region of a gene for which loss of function is not a well-established mechanism of disease; Has not been previously published as pathogenic or benign to our knowledge; Variants in candidate genes are classified as variants of uncertain significance in accordance with ACMG guidelines (PMID: 25741868)

PreventionGenetics, part of Exact Sciences
Classification: Likely benign for SEMA3A-related condition. Last evaluated: 2024-01-12. Review status: no assertion criteria provided. Collection method: clinical testing. Allele origin: germline. Not counted in ClinVar's aggregate classification.
Comment: This variant is classified as likely benign based on ACMG/AMP sequence variant interpretation guidelines (Richards et al. 2015 PMID: 25741868, with internal and published modifications).